The following is an entry in ClinVar:

ClinVar aggregate classification (germline): Uncertain significance (0 of 4 stars; one submission).

Conditions:
EP300-related disorder. Also called: EP300-related disorders; EP300-related condition.

Submission:

PreventionGenetics, part of Exact Sciences
Classification: Uncertain significance for EP300-related condition. Last evaluated: 2023-11-06. Review status: no assertion criteria provided. Collection method: clinical testing. Allele origin: germline.
Comment: The EP300 c.3866C>G variant is predicted to result in the amino acid substitution p.Ser1289Cys. To our knowledge, this variant has not been reported in the literature or in a large population database, indicating this variant is rare. At this time, the clinical significance of this variant is uncertain due to the absence of conclusive functional and genetic evidence.

NM_001429.4(EP300):c.3866C>G (p.Ser1289Cys)

Gene: EP300 (E1A binding protein p300; plus strand). Cytogenetic location: 22q13.2.
Variant type: single nucleotide variant.
Coding change: c.3866C>G on transcript NM_001429.4 (MANE Select); coding-DNA position 3866, C replaced by G.
Protein change: p.Ser1289Cys; replaces serine 1289 with cysteine.
Molecular consequence: missense variant.
Genome position (GRCh38, 1-based): chr22:41,166,658, C>G. VCF-style: chr22-41166658-C-G. GRCh37 (hg19) VCF-style: chr22-41562662-C-G.
Other names: c.3788C>G, p.Ser1263Cys (NM_001362843.2); short protein forms S1263C, S1289C.
Identifiers: ClinVar variation 3058759 (VCV003058759.2), dbSNP rs1555910822, ClinGen allele CA411698744.
Genomic context (GRCh38, chr22:41,166,658, plus strand): 5'-GATTCGTCTGTGATGGCTGTTTAAAGAAAAGTGCACGAACTAGGAAAGAAAATAAGTTTT[C>G]TGCTAAAAGTAAGTTTTATTCTTAAAGGTAAATTTTGGCAAAACTTATCTGAAGCCTAGA-3'
Protein context (NP_001420.2, residues 1279-1299): SARTRKENKF[Ser1289Cys]AKRLPSTRLG